The following is an entry in ClinVar:

ClinVar aggregate classification (germline): Uncertain significance (1 of 4 stars; one submission).

Allele frequency attached by ClinVar (database versions not stated): gnomAD 0.00001; gnomAD exomes 0.00001; ExAC 0.00001.

Submission:

Labcorp Genetics (formerly Invitae), Labcorp
Classification: Uncertain significance. Last evaluated: 2025-09-28. Review status: criteria provided, single submitter. Criteria: Invitae Variant Classification Sherloc (09022015). Collection method: clinical testing. Allele origin: germline.
Comment: This sequence change replaces methionine, which is neutral and non-polar, with valine, which is neutral and non-polar, at codon 1120 of the ASXL2 protein (p.Met1120Val). This variant is present in population databases (rs767987419, gnomAD 0.007%). This variant has not been reported in the literature in individuals affected with ASXL2-related conditions. ClinVar contains an entry for this variant (Variation ID: 3000498). Invitae Evidence Modeling of protein sequence and biophysical properties (such as structural, functional, and spatial information, amino acid conservation, physicochemical variation, residue mobility, and thermodynamic stability) indicates that this missense variant is not expected to disrupt ASXL2 protein function with a negative predictive value of 80%. In summary, the available evidence is currently insufficient to determine the role of this variant in disease. Therefore, it has been classified as a Variant of Uncertain Significance.

NM_018263.6(ASXL2):c.3358A>G (p.Met1120Val)

Gene: ASXL2 (ASXL transcriptional regulator 2; minus strand). Cytogenetic location: 2p23.3.
Variant type: single nucleotide variant.
Coding change: c.3358A>G on transcript NM_018263.6 (MANE Select); coding-DNA position 3358, A replaced by G.
Protein change: p.Met1120Val; replaces methionine 1120 with valine.
Molecular consequence: missense variant.
Genome position (GRCh38, 1-based): chr2:25,742,979, T>C on the plus strand (A>G on the coding strand, the complement: ASXL2 is on the minus strand). VCF-style: chr2-25742979-T-C. GRCh37 (hg19) VCF-style: chr2-25965848-T-C.
Other names: c.3184A>G, p.Met1062Val (NM_001369346.1); c.2578A>G, p.Met860Val (NM_001369347.1); short protein forms M1062V, M1120V, M860V.
Identifiers: ClinVar variation 3000498 (VCV003000498.3), dbSNP rs767987419, ClinGen allele CA1557488.
Genomic context (GRCh38, chr2:25,742,979, plus strand): 5'-TCCTAAAGCTCTCTGAGCCCCGGCCGTAGGTAGAAATATTCAGTAAGTAGTGCCCTGCCA[T>C]TGCAGGTTTGGATGTCCTTCTGCCAGCAAAACCCAGCATGAACCTCTGGCTTGTGGAGAT-3'
Protein context (NP_060733.4, residues 1110-1130): FAGRRTSKPA[Met1120Val]AGHYLLNIST